The following is an entry in ClinVar:

ClinVar aggregate classification (germline): Uncertain significance (1 of 4 stars; one submission).

Conditions:
Maple syrup urine disease (MSUD). Identifiers: Orphanet 511, MedGen C0024776, MeSH D008375, MONDO:0009563. Disease mechanism: loss of function.

Allele frequency attached by ClinVar (database versions not stated): gnomAD exomes below 0.00001; TOPMed below 0.00001.
gnomAD v4.1: 1 of 1,609,670 alleles (0.000062%); highest among the groups gnomAD compares: Non-Finnish European, 0.000085%; no homozygotes.

Submission:

Labcorp Genetics (formerly Invitae), Labcorp
Classification: Uncertain significance for Maple syrup urine disease. Last evaluated: 2021-04-27. Review status: criteria provided, single submitter. Criteria: Invitae Variant Classification Sherloc (09022015). Collection method: clinical testing. Allele origin: germline.
Comment: In summary, the available evidence is currently insufficient to determine the role of this variant in disease. Therefore, it has been classified as a Variant of Uncertain Significance. This variant is not present in population databases (ExAC no frequency). This variant has been observed in individual(s) with MSUD (Invitae). Advanced modeling of protein sequence and biophysical properties (such as structural, functional, and spatial information, amino acid conservation, physicochemical variation, residue mobility, and thermodynamic stability) performed at Invitae indicates that this missense variant is expected to disrupt BCKDHA protein function. This sequence change replaces serine with arginine at codon 337 of the BCKDHA protein (p.Ser337Arg). The serine residue is highly conserved and there is a moderate physicochemical difference between serine and arginine.

NM_000709.4(BCKDHA):c.1011C>G (p.Ser337Arg)

Gene: BCKDHA (branched chain keto acid dehydrogenase E1 subunit alpha; plus strand). Cytogenetic location: 19q13.2.
Variant type: single nucleotide variant.
Coding change: c.1011C>G on transcript NM_000709.4 (MANE Select); coding-DNA position 1011, C replaced by G.
Protein change: p.Ser337Arg; replaces serine 337 with arginine.
Molecular consequence: missense variant.
Genome position (GRCh38, 1-based): chr19:41,423,013, C>G. VCF-style: chr19-41423013-C-G. GRCh37 (hg19) VCF-style: chr19-41928918-C-G.
Other names: c.1008C>G, p.Ser336Arg (NM_001164783.2); short protein forms S337R, S336R.
Identifiers: ClinVar variation 1515342 (VCV001515342.8), dbSNP rs1417360930, ClinGen allele CA406013772.